The following is an entry in ClinVar:

ClinVar aggregate classification (germline): Pathogenic. Review status: criteria provided, multiple submitters, no conflicts (2 of 4 stars). 4 submissions from 4 submitters: Pathogenic (4). Last evaluated 2024-01-22.

Conditions:
Hereditary cancer-predisposing syndrome. Also called: Neoplastic Syndromes, Hereditary; Hereditary Cancer Syndrome; Hereditary neoplastic syndrome; Tumor predisposition. Identifiers: Orphanet 140162, MedGen C0027672, MeSH D009386, MONDO:0015356.
Familial cancer of breast. Also called: Hereditary breast cancer; hereditary breast carcinoma; BREAST CANCER, FAMILIAL. Identifiers: Orphanet 227535, MedGen C0346153, MONDO:0016419, OMIM 114480. Disease mechanism: loss of function.
Ataxia-telangiectasia syndrome (AT). Also called: Cerebello-oculocutaneous telangiectasia; Immunodeficiency with ataxia telangiectasia; Ataxia-telangiectasia, complementation group D; AT, COMPLEMENTATION GROUP C; ATAXIA-TELANGIECTASIA, FRESNO VARIANT; ATAXIA-TELANGIECTASIA, COMPLEMENTATION GROUP A. Identifiers: Orphanet 100, MedGen C0004135, MONDO:0008840, OMIM 208900.

Submissions (4):

Myriad Genetics, Inc.
Classification: Pathogenic for Familial cancer of breast. Last evaluated: 2024-01-22. Review status: criteria provided, single submitter. Criteria: Myriad Autosomal Dominant, Autosomal Recessive and X-Linked Classification Criteria (2023). Collection method: clinical testing. Allele origin: unknown.
Comment: This variant is considered pathogenic. This variant creates a frameshift predicted to result in premature protein truncation.

Ambry Genetics
Classification: Pathogenic for Hereditary cancer-predisposing syndrome. Last evaluated: 2022-10-07. Review status: criteria provided, single submitter. Criteria: Ambry Variant Classification Scheme 2023. Collection method: clinical testing. Allele origin: germline.
Comment: The c.3369delA pathogenic mutation located in coding exon 22 of the ATM gene, results from a deletion of one nucleotide at nucleotide position 3369, causing a translational frameshift with a predicted alternate stop codon. This alteration was reported in the compound heterozygous state with a second pathogenic mutation in ATM in an individual diagnosed with classic ataxia telangiectasia (Bhatt N et al. Stem Cell Res. 2016 09;17(2):296-305. In addition to the clinical data presented in the literature, this alteration is expected to result in loss of function by premature protein truncation or nonsense-mediated mRNA decay. As such, this alteration is interpreted as a disease-causing mutation.

Labcorp Genetics (formerly Invitae), Labcorp
Classification: Pathogenic for Ataxia-telangiectasia syndrome. Last evaluated: 2021-01-21. Review status: criteria provided, single submitter. Criteria: Invitae Variant Classification Sherloc (09022015). Collection method: clinical testing. Allele origin: germline.
Comment: This sequence change creates a premature translational stop signal (p.Tyr1124Thrfs*2) in the ATM gene. It is expected to result in an absent or disrupted protein product. Loss-of-function variants in ATM are known to be pathogenic (PMID: 23807571, 25614872). This variant is not present in population databases (ExAC no frequency). This variant has not been reported in the literature in individuals with ATM-related conditions. ClinVar contains an entry for this variant (Variation ID: 141444). For these reasons, this variant has been classified as Pathogenic.

Color Diagnostics, LLC DBA Color Health
Classification: Pathogenic for Hereditary cancer-predisposing syndrome. Last evaluated: 2019-09-11. Review status: criteria provided, single submitter. Criteria: ACMG Guidelines, 2015. Collection method: clinical testing. Allele origin: germline.
Comment: This variant deletes 1 nucleotide in exon 23 of the ATM gene, creating a frameshift and premature translation stop signal. This variant is expected to result in an absent or non-functional protein product. Splice site prediction tools suggest that this variant may not impact RNA splicing. To our knowledge, functional studies have not been performed for this variant. This variant has not been reported in individuals affected with hereditary cancer in the literature. This variant has not been identified in the general population by the Genome Aggregation Database (gnomAD). Loss of ATM function is a known mechanism of disease. Based on the available evidence, this variant is classified as Pathogenic.

Literature cited by the submitters: PubMed 23807571 (cited by Labcorp Genetics (formerly Invitae), Labcorp); PubMed 25614872 (cited by Labcorp Genetics (formerly Invitae), Labcorp).

NM_000051.4(ATM):c.3369del (p.Tyr1124fs)

Gene: ATM (ATM serine/threonine kinase; plus strand). Cytogenetic location: 11q22.3.
Variant type: Deletion.
Coding change: c.3369del on transcript NM_000051.4 (MANE Select); coding-DNA position 3369, one base deleted (A; older notation c.3369delA).
Protein change: p.Tyr1124fs; shifts the reading frame from tyrosine 1124.
Molecular consequence: frameshift variant.
Genome position (GRCh38, 1-based): chr11:108,279,575, A deleted. VCF-style (leftmost placement, unchanged base first): chr11-108279574-CA-C. GRCh37 (hg19) VCF-style: chr11-108150301-CA-C.
Other names: c.3369delA (NM_000051.3); c.3369del, p.Tyr1124fs (NM_001351834.2); short protein forms Y1124fs.
Identifiers: ClinVar variation 141444 (VCV000141444.14), dbSNP rs587781752, ClinGen allele CA165421.